The following is an entry in ClinVar:

ClinVar aggregate classification (germline): Uncertain significance (1 of 4 stars; one submission).

Submission:

Labcorp Genetics (formerly Invitae), Labcorp
Classification: Uncertain significance. Last evaluated: 2024-03-01. Review status: criteria provided, single submitter. Criteria: Invitae Variant Classification Sherloc (09022015). Collection method: clinical testing. Allele origin: germline.
Comment: This sequence change replaces arginine, which is basic and polar, with threonine, which is neutral and polar, at codon 345 of the CWC27 protein (p.Arg345Thr). This variant is not present in population databases (gnomAD no frequency). This variant has not been reported in the literature in individuals affected with CWC27-related conditions. Algorithms developed to predict the effect of missense changes on protein structure and function output the following: SIFT: "Not Available"; PolyPhen-2: "Benign"; Align-GVGD: "Not Available". The threonine amino acid residue is found in multiple mammalian species, which suggests that this missense change does not adversely affect protein function. In summary, the available evidence is currently insufficient to determine the role of this variant in disease. Therefore, it has been classified as a Variant of Uncertain Significance.

NM_005869.4(CWC27):c.1034G>C (p.Arg345Thr)

Gene: CWC27 (CWC27 spliceosome associated cyclophilin; plus strand). Cytogenetic location: 5q12.3.
Variant type: single nucleotide variant.
Coding change: c.1034G>C on transcript NM_005869.4 (MANE Select); coding-DNA position 1034, G replaced by C.
Protein change: p.Arg345Thr; replaces arginine 345 with threonine.
Molecular consequence: missense variant.
Genome position (GRCh38, 1-based): chr5:64,885,538, G>C. VCF-style: chr5-64885538-G-C. GRCh37 (hg19) VCF-style: chr5-64181365-G-C.
Other names: c.1034G>C, p.Arg345Thr (NM_001297644.1, NM_001364478.1); short protein forms R345T.
Identifiers: ClinVar variation 3687483 (VCV003687483.2).
Genomic context (GRCh38, chr5:64,885,538, plus strand): 5'-GGGAACTCTTAGCAGCAAAACAAAAAAAAGTAGAAAATGCAGCAAAACAAGCAGAAAAAA[G>C]AAGTGAAGGTAAGGGCATTTATCACGCTTATTTTTTCACTTGATACTCCTCCTTCTCTGT-3'
Protein context (NP_005860.2, residues 335-355): VENAAKQAEK[Arg345Thr]SEEEEAPPDG